The following is an entry in ClinVar:

ClinVar aggregate classification (germline): Benign/Likely benign. Review status: criteria provided, multiple submitters, no conflicts (2 of 4 stars). 8 submissions from 7 submitters: Benign (3); Likely benign (4). 1 of the submissions does not count toward it. Last evaluated 2025-12-14.

Conditions:
NOTCH1-related disorder. Also called: NOTCH1-related condition; NOTCH1-related disorders.
Aortic valve disease 1 (AOVD1). Identifiers: MedGen C3887892, MONDO:0024523, OMIM 109730.
Adams-Oliver syndrome 5 (AOS5). Identifiers: Orphanet 974, MedGen C4014970, MONDO:0014459, OMIM 616028.
Familial thoracic aortic aneurysm and aortic dissection (TAAD). Also called: Thoracic aortic aneurysms and dissections. Identifiers: Orphanet 91387, MedGen C4707243, MONDO:0019625.

Allele frequency attached by ClinVar (database versions not stated): ESP Exome Variant Server 0.00008; 1000 Genomes Project 30x 0.00016; 1000 Genomes Project 0.00020; gnomAD 0.00032; TOPMed 0.00035; ExAC 0.00039.
gnomAD v4.1: 106 of 1,561,032 alleles (0.0068%); highest among the groups gnomAD compares: African/African-American, 0.089%; 1 homozygote.

Submissions (8):

Mayo Clinic Laboratories, Mayo Clinic
Classification: Likely benign. Last evaluated: 2025-12-14. Review status: criteria provided, single submitter. Criteria: ACMG Guidelines, 2015. Collection method: clinical testing. Allele origin: germline. Observed: 1 variant allele.
Comment: BS1

Labcorp Genetics (formerly Invitae), Labcorp
Classification: Benign for Adams-Oliver syndrome 5. Last evaluated: 2025-12-01. Review status: criteria provided, single submitter. Criteria: Invitae Variant Classification Sherloc (09022015). Collection method: clinical testing. Allele origin: germline.

Blueprint Genetics
Classification: Likely benign. Last evaluated: 2023-09-15. Review status: criteria provided, single submitter. Criteria: ACMG Guidelines, 2015. Collection method: clinical testing. Allele origin: germline.

Genome-Nilou Lab
Classification: Benign for Adams-Oliver syndrome 5. Last evaluated: 2022-03-15. Review status: criteria provided, single submitter. Criteria: ACMG Guidelines, 2015. Collection method: clinical testing. Allele origin: germline. Affected: no.

Genome-Nilou Lab
Classification: Benign for Aortic valve disease 1. Last evaluated: 2022-03-15. Review status: criteria provided, single submitter. Criteria: ACMG Guidelines, 2015. Collection method: clinical testing. Allele origin: germline. Affected: no.

GeneDx
Classification: Likely benign. Last evaluated: 2020-07-29. Review status: criteria provided, single submitter. Criteria: GeneDx Variant Classification Process June 2021. Collection method: clinical testing. Allele origin: germline. Affected: yes.

Ambry Genetics
Classification: Likely benign for Familial thoracic aortic aneurysm and aortic dissection. Last evaluated: 2016-08-16. Review status: criteria provided, single submitter. Criteria: Ambry Variant Classification Scheme 2023. Collection method: clinical testing. Allele origin: germline.

PreventionGenetics, part of Exact Sciences
Classification: Likely benign for NOTCH1-related condition. Last evaluated: 2023-07-31. Review status: no assertion criteria provided. Collection method: clinical testing. Allele origin: germline. Not counted in ClinVar's aggregate classification.
Comment: This variant is classified as likely benign based on ACMG/AMP sequence variant interpretation guidelines (Richards et al. 2015 PMID: 25741868, with internal and published modifications).

NM_017617.5(NOTCH1):c.3042G>A (p.Thr1014=)

Gene: NOTCH1 (notch receptor 1; minus strand). Cytogenetic location: 9q34.3.
Variant type: single nucleotide variant.
Coding change: c.3042G>A on transcript NM_017617.5 (MANE Select); coding-DNA position 3042, G replaced by A.
Protein change: p.Thr1014=; no amino-acid change (threonine 1014 retained).
Molecular consequence: synonymous variant.
Genome position (GRCh38, 1-based): chr9:136,508,999, C>T on the plus strand (G>A on the coding strand, the complement: NOTCH1 is on the minus strand). VCF-style: chr9-136508999-C-T. GRCh37 (hg19) VCF-style: chr9-139403451-C-T.
Other names: p.Thr1014=; c.3042G>A, p.Thr1014= (LRG_1122t1); c.3042G>A (NM_017617.4).
Identifiers: ClinVar variation 477910 (VCV000477910.24), dbSNP rs371532644, ClinGen allele CA5341065.